The following is an entry in ClinVar:

ClinVar aggregate classification (germline): Uncertain significance (1 of 4 stars; one submission).

Submission:

Labcorp Genetics (formerly Invitae), Labcorp
Classification: Uncertain significance. Last evaluated: 2023-10-04. Review status: criteria provided, single submitter. Criteria: Invitae Variant Classification Sherloc (09022015). Collection method: clinical testing. Allele origin: unknown.
Comment: A copy number gain of the genomic region encompassing the full coding sequence of the SNRPB gene has been identified. The boundaries of this event are unknown as they extend beyond the assayed region for this gene and therefore may encompass additional genes. As the precise location of this event is unknown, it may be in tandem or it may be located elsewhere in the genome. This variant has not been reported in the literature in individuals affected with SNRPB-related conditions. In summary, the available evidence is currently insufficient to determine the role of this variant in disease. Therefore, it has been classified as a Variant of Uncertain Significance.

NC_000020.10:g.(?_2361615)_(3903941_?)dup

Genes: ADAM33 (ADAM metallopeptidase domain 33; minus strand), ADISSP (adipose secreted signaling protein; minus strand), AP5S1 (adaptor related protein complex 5 subunit sigma 1; plus strand), ATRN (attractin; plus strand), AVP (arginine vasopressin; minus strand) and 33 more. Cytogenetic location: 20p13.
Variant type: Duplication.
Identifiers: ClinVar variation 3248364 (VCV003248364.1).